The following is an entry in ClinVar:

NM_024675.4(PALB2):c.3381T>G (p.Cys1127Trp)

Gene: PALB2 (partner and localizer of BRCA2; minus strand). Cytogenetic location: 16p12.2.
Variant type: single nucleotide variant.
Coding change: c.3381T>G on transcript NM_024675.4 (MANE Select); coding-DNA position 3381, T replaced by G.
Protein change: p.Cys1127Trp; replaces cysteine 1127 with tryptophan.
Molecular consequence: missense variant.
Genome position (GRCh38, 1-based): chr16:23,603,639, A>C on the plus strand (T>G on the coding strand, the complement: PALB2 is on the minus strand). VCF-style: chr16-23603639-A-C. GRCh37 (hg19) VCF-style: chr16-23614960-A-C.
Other names: c.3321T>G, p.Cys1107Trp (NM_001407296.1); c.3309T>G, p.Cys1103Trp (NM_001407297.1); c.3219T>G, p.Cys1073Trp (NM_001407298.1); c.3144T>G, p.Cys1048Trp (NM_001407299.1); c.3102T>G, p.Cys1034Trp (NM_001407300.1); c.*16T>G (NM_001407301.1, NM_001407302.1, NM_001407310.1 and 2 more transcripts); c.2496T>G, p.Cys832Trp (NM_001407304.1, NM_001407305.1, NM_001407306.1); c.2334T>G, p.Cys778Trp (NM_001407307.1); and 3 more; short protein forms C1034W, C1048W, C1073W, C1103W, C1107W, C1127W, C305W, C531W.
Identifiers: ClinVar variation 1720453 (VCV001720453.5), dbSNP rs2142255050, ClinGen allele CA395138295.
Genomic context (GRCh38, chr16:23,603,639, plus strand): 5'-ACACTGACCGAGAAGTAAGTCCCAAATGGCAATTGTTCCAGAAGTCAAGATTGCTGCTGC[A>C]CAGTGATCTTTCACGTCACCTTCCAGGAACCTGATAGCATACAAAGAAGATATAATTCAG-3'
Protein context (NP_078951.2, residues 1117-1137): RFLEGDVKDH[Cys1127Trp]AAAILTSGTI

ClinVar aggregate classification (germline): Uncertain significance (1 of 4 stars; one submission).

Conditions:
Familial cancer of breast. Also called: BREAST CANCER, FAMILIAL; hereditary breast carcinoma; Hereditary breast cancer. Identifiers: Orphanet 227535, MedGen C0346153, MONDO:0016419, OMIM 114480. Disease mechanism: loss of function.

Submission:

Labcorp Genetics (formerly Invitae), Labcorp
Classification: Uncertain significance for Familial cancer of breast. Last evaluated: 2023-06-04. Review status: criteria provided, single submitter. Criteria: Invitae Variant Classification Sherloc (09022015). Collection method: clinical testing. Allele origin: germline.
Comment: This sequence change replaces cysteine, which is neutral and slightly polar, with tryptophan, which is neutral and slightly polar, at codon 1127 of the PALB2 protein (p.Cys1127Trp). This variant is not present in population databases (gnomAD no frequency). This variant has not been reported in the literature in individuals affected with PALB2-related conditions. ClinVar contains an entry for this variant (Variation ID: 1720453). An algorithm developed to predict the effect of missense changes on protein structure and function (PolyPhen-2) suggests that this variant is likely to be disruptive. In summary, the available evidence is currently insufficient to determine the role of this variant in disease. Therefore, it has been classified as a Variant of Uncertain Significance.